The following is an entry in ClinVar:

NM_000275.3(OCA2):c.1752C>T (p.His584=)

Gene: OCA2 (OCA2 melanosomal transmembrane protein; minus strand). Cytogenetic location: 15q13.1.
Variant type: single nucleotide variant.
Coding change: c.1752C>T on transcript NM_000275.3 (MANE Select); coding-DNA position 1752, C replaced by T.
Protein change: p.His584=; no amino-acid change (histidine 584 retained).
Molecular consequence: synonymous variant.
Genome position (GRCh38, 1-based): chr15:27,957,620, G>A on the plus strand (C>T on the coding strand, the complement: OCA2 is on the minus strand). VCF-style: chr15-27957620-G-A. GRCh37 (hg19) VCF-style: chr15-28202766-G-A.
Other names: c.1680C>T, p.His560= (NM_001300984.2).
Identifiers: ClinVar variation 194592 (VCV000194592.21), dbSNP rs151225947, ClinGen allele CA201248.

ClinVar aggregate classification (germline): Benign. Review status: criteria provided, multiple submitters, no conflicts (2 of 4 stars). 5 submissions from 5 submitters: Benign (5). Last evaluated 2026-02-04.

Conditions:
Tyrosinase-positive oculocutaneous albinism (OCA2). Also called: Albinism, oculocutaneous, type II; ALBINISM II; Oculocutaneous albinism type 2. Identifiers: Orphanet 79432, MedGen C0268495, MONDO:0008746, OMIM 203200.

Allele frequency attached by ClinVar (database versions not stated): ESP Exome Variant Server 0.00393; gnomAD 0.00803 and 0.00812; ExAC 0.00951; TOPMed 0.01139; gnomAD exomes 0.01215; 1000 Genomes Project 0.01338; 1000 Genomes Project 30x 0.01421.
gnomAD v4.1: 6,204 of 1,612,898 alleles (0.38%); highest among the groups gnomAD compares: Admixed American, 5.5%; 138 homozygotes.

Submissions (5):

Labcorp Genetics (formerly Invitae), Labcorp
Classification: Benign. Last evaluated: 2026-02-04. Review status: criteria provided, single submitter. Criteria: Invitae Variant Classification Sherloc (09022015). Collection method: clinical testing. Allele origin: germline.

GeneDx
Classification: Benign. Last evaluated: 2021-06-10. Review status: criteria provided, single submitter. Criteria: GeneDx Variant Classification Process June 2021. Collection method: clinical testing. Allele origin: germline. Affected: yes.

Illumina Laboratory Services, Illumina
Classification: Benign for Tyrosinase-positive oculocutaneous albinism. Last evaluated: 2018-01-13. Review status: criteria provided, single submitter. Criteria: ICSL Variant Classification Criteria 13 December 2019. Collection method: clinical testing. Allele origin: germline.
Comment: This variant was observed in the ICSL laboratory as part of a predisposition screen in an ostensibly healthy population. It had not been previously curated by ICSL or reported in the Human Gene Mutation Database (HGMD: prior to June 1st, 2018), and was therefore a candidate for classification through an automated scoring system. Utilizing variant allele frequency, disease prevalence and penetrance estimates, and inheritance mode, an automated score was calculated to assess if this variant is too frequent to cause the disease. Based on the score and internal cut-off values, a variant classified as benign is not then subjected to further curation. The score for this variant resulted in a classification of benign for this disease.

Eurofins Ntd Llc (ga)
Classification: Benign. Last evaluated: 2014-10-01. Review status: criteria provided, single submitter. Criteria: EGL Classification Definitions 2015. Collection method: clinical testing. Allele origin: germline. Observed: 1 variant allele, 1 heterozygote.

Breakthrough Genomics
Classification: Benign. Review status: criteria provided, single submitter. Criteria: ACMG Guidelines, 2015. Collection method: not provided. Allele origin: germline. Inheritance: Autosomal recessive inheritance. Affected: yes.